The following is an entry in ClinVar:

ClinVar aggregate classification (germline): Conflicting classifications of pathogenicity. Review status: criteria provided, conflicting classifications (1 of 4 stars). 2 submissions from 2 submitters: Uncertain significance (1); Benign (1). Last evaluated 2022-12-13.

Conditions:
Osteogenesis imperfecta type I (OI1). Also called: Lobstein's Disease; Classic Non-deforming Osteogenesis Imperfecta with Blue Sclerae; OI, TYPE I; OSTEOGENESIS IMPERFECTA TARDA; OSTEOGENESIS IMPERFECTA WITH BLUE SCLERAE; Osteogenesis imperfecta type 1. Identifiers: Orphanet 216796, Orphanet 666, MedGen C0023931, MONDO:0008146, OMIM 166200. Disease mechanism: loss of function.

Submissions (2):

Labcorp Genetics (formerly Invitae), Labcorp
Classification: Benign for Osteogenesis imperfecta type I. Last evaluated: 2022-12-13. Review status: criteria provided, single submitter. Criteria: Invitae Variant Classification Sherloc (09022015). Collection method: clinical testing. Allele origin: germline.

ARUP Laboratories, Molecular Genetics and Genomics, ARUP Laboratories
Classification: Uncertain significance. Last evaluated: 2022-03-30. Review status: criteria provided, single submitter. Criteria: ARUP Molecular Germline Variant Investigation Process 2021. Collection method: clinical testing. Allele origin: germline.
Comment: The COL1A1 c.4192A>G, p.Ile1398Val variant (rs754481870), to our knowledge, is not reported in the medical literature or gene specific databases. This variant is only observed on one allele in the Genome Aggregation Database, indicating it is not a common polymorphism. The isoleucine at codon 1398 is moderately conserved, and computational analyses are uncertain whether this variant is neutral or deleterious (REVEL: 0.437). However, given the lack of clinical and functional data, the significance of the p.Ile1398Val variant is uncertain at this time.

NM_000088.4(COL1A1):c.4192A>G (p.Ile1398Val)

Gene: COL1A1 (collagen type I alpha 1 chain; minus strand). Cytogenetic location: 17q21.33.
Variant type: single nucleotide variant.
Coding change: c.4192A>G on transcript NM_000088.4 (MANE Select); coding-DNA position 4192, A replaced by G.
Protein change: p.Ile1398Val; replaces isoleucine 1398 with valine.
Molecular consequence: missense variant.
Genome position (GRCh38, 1-based): chr17:50,185,834, T>C on the plus strand (A>G on the coding strand, the complement: COL1A1 is on the minus strand). VCF-style: chr17-50185834-T-C. GRCh37 (hg19) VCF-style: chr17-48263195-T-C.
Other names: short protein forms I1398V.
Identifiers: ClinVar variation 2428514 (VCV002428514.6), dbSNP rs754481870, ClinGen allele CA400191675.